The following is an entry in ClinVar:

ClinVar aggregate classification (germline): Uncertain significance. Review status: criteria provided, multiple submitters, no conflicts (2 of 4 stars). 2 submissions from 2 submitters: Uncertain significance (2). Last evaluated 2024-10-29.

Conditions:
Inborn genetic diseases. Identifiers: MedGen C0950123, MeSH D030342.
Ehlers-Danlos syndrome, dermatosparaxis type. Also called: EDS VIIC; Ehlers-Danlos syndrome, type VII, autosomal recessive; Dermatosparaxis. Identifiers: Orphanet 1901, MedGen C2700425, MONDO:0009161, OMIM 225410.

gnomAD v4.1: 5 of 1,612,788 alleles (0.00031%); highest among the groups gnomAD compares: Admixed American, 0.0017%; no homozygotes.

Submissions (2):

Ambry Genetics
Classification: Uncertain significance for Inborn genetic diseases. Last evaluated: 2024-10-29. Review status: criteria provided, single submitter. Criteria: Ambry Variant Classification Scheme 2023. Collection method: clinical testing. Allele origin: germline.

Labcorp Genetics (formerly Invitae), Labcorp
Classification: Uncertain significance for Ehlers-Danlos syndrome, dermatosparaxis type. Last evaluated: 2024-09-18. Review status: criteria provided, single submitter. Criteria: Invitae Variant Classification Sherloc (09022015). Collection method: clinical testing. Allele origin: germline.
Comment: This sequence change replaces arginine, which is basic and polar, with serine, which is neutral and polar, at codon 941 of the ADAMTS2 protein (p.Arg941Ser). This variant is not present in population databases (gnomAD no frequency). This variant has not been reported in the literature in individuals affected with ADAMTS2-related conditions. ClinVar contains an entry for this variant (Variation ID: 2065654). An algorithm developed to predict the effect of missense changes on protein structure and function (PolyPhen-2) suggests that this variant is likely to be tolerated. In summary, the available evidence is currently insufficient to determine the role of this variant in disease. Therefore, it has been classified as a Variant of Uncertain Significance.

NM_014244.5(ADAMTS2):c.2821C>A (p.Arg941Ser)

Gene: ADAMTS2 (ADAM metallopeptidase with thrombospondin type 1 motif 2; minus strand). Cytogenetic location: 5q35.3.
Variant type: single nucleotide variant.
Coding change: c.2821C>A on transcript NM_014244.5 (MANE Select); coding-DNA position 2821, C replaced by A.
Protein change: p.Arg941Ser; replaces arginine 941 with serine.
Molecular consequence: missense variant.
Genome position (GRCh38, 1-based): chr5:179,125,110, G>T on the plus strand (C>A on the coding strand, the complement: ADAMTS2 is on the minus strand). VCF-style: chr5-179125110-G-T. GRCh37 (hg19) VCF-style: chr5-178552111-G-T.
Other names: short protein forms R941S.
Identifiers: ClinVar variation 2065654 (VCV002065654.5), dbSNP rs937744996, ClinGen allele CA133027384.
Genomic context (GRCh38, chr5:179,125,110, plus strand): 5'-CATTGCAGTGCTTGGCGTGCACGGAGCGGGTGGTGTTGTCGTGTAGCGGCTGAATGCAGC[G>T]CACGGAGCGCACCTGCATGCCTGTCCGCCCACAGGTCTGGCTACATGGCTCCCATTCGCC-3'
Protein context (NP_055059.2, residues 931-951): GRTGMQVRSV[Arg941Ser]CIQPLHDNTT